The following is an entry in ClinVar:

ClinVar aggregate classification (germline): Uncertain significance. Review status: criteria provided, multiple submitters, no conflicts (2 of 4 stars). 4 submissions from 4 submitters: Uncertain significance (4). Last evaluated 2024-04-16.

Conditions:
Familial thoracic aortic aneurysm and aortic dissection (TAAD). Also called: Thoracic aortic aneurysms and dissections. Identifiers: Orphanet 91387, MedGen C4707243, MONDO:0019625.
Aortic aneurysm, familial thoracic 4 (AAT4). Also called: AORTIC ANEURYSM/AORTIC DISSECTION AND PATENT DUCTUS ARTERIOSUS. Identifiers: MedGen C1851504, MONDO:0007568, OMIM 132900.

Allele frequency attached by ClinVar (database versions not stated): gnomAD exomes below 0.00001 and 0.00001; TOPMed below 0.00001; ExAC 0.00001; gnomAD 0.00001.
gnomAD v4.1: 13 of 1,614,010 alleles (0.00081%); highest among the groups gnomAD compares: Non-Finnish European, 0.001%; no homozygotes.

Submissions (4):

All of Us Research Program, National Institutes of Health
Classification: Uncertain significance for Familial thoracic aortic aneurysm and aortic dissection. Last evaluated: 2024-04-16. Review status: criteria provided, single submitter. Criteria: ACMG Guidelines, 2015. Collection method: clinical testing. Allele origin: germline. Inheritance: Autosomal dominant inheritance. Observed: 5 variant alleles, 5 heterozygotes.
Comment: This missense variant replaces isoleucine with threonine at codon 1830 of the MYH11 protein. Computational prediction suggests that this variant may have deleterious impact on protein structure and function (internally defined REVEL score threshold >= 0.7, PMID: 27666373). To our knowledge, functional studies have not been reported for this variant. This variant has not been reported in individuals affected with cardiovascular disorders in the literature. This variant has been identified in 1/251322 chromosomes in the general population by the Genome Aggregation Database (gnomAD). The available evidence is insufficient to determine the role of this variant in disease conclusively. Therefore, this variant is classified as a Variant of Uncertain Significance.

This study involves interpretation of variants in research participants for the purpose of population health screening. Participant phenotype was not available at the time of variant classification. Additional details can be found in publication PMID: 35346344, PMCID: PMC8962531

Color Diagnostics, LLC DBA Color Health
Classification: Uncertain significance for Familial thoracic aortic aneurysm and aortic dissection. Last evaluated: 2024-03-06. Review status: criteria provided, single submitter. Criteria: ACMG Guidelines, 2015. Collection method: clinical testing. Allele origin: germline.
Comment: This missense variant replaces isoleucine with threonine at codon 1830 of the MYH11 protein. Computational prediction suggests that this variant may have deleterious impact on protein structure and function (internally defined REVEL score threshold >= 0.7, PMID: 27666373). To our knowledge, functional studies have not been reported for this variant. This variant has not been reported in individuals affected with cardiovascular disorders in the literature. This variant has been identified in 1/251322 chromosomes in the general population by the Genome Aggregation Database (gnomAD). The available evidence is insufficient to determine the role of this variant in disease conclusively. Therefore, this variant is classified as a Variant of Uncertain Significance.

Labcorp Genetics (formerly Invitae), Labcorp
Classification: Uncertain significance for Aortic aneurysm, familial thoracic 4. Last evaluated: 2023-04-22. Review status: criteria provided, single submitter. Criteria: Invitae Variant Classification Sherloc (09022015). Collection method: clinical testing. Allele origin: germline.
Comment: In summary, the available evidence is currently insufficient to determine the role of this variant in disease. Therefore, it has been classified as a Variant of Uncertain Significance. Advanced modeling of protein sequence and biophysical properties (such as structural, functional, and spatial information, amino acid conservation, physicochemical variation, residue mobility, and thermodynamic stability) performed at Invitae indicates that this missense variant is not expected to disrupt MYH11 protein function. ClinVar contains an entry for this variant (Variation ID: 920693). This variant has not been reported in the literature in individuals affected with MYH11-related conditions. This variant is present in population databases (rs769337030, gnomAD 0.0009%). This sequence change replaces isoleucine, which is neutral and non-polar, with threonine, which is neutral and polar, at codon 1830 of the MYH11 protein (p.Ile1830Thr).

Ambry Genetics
Classification: Uncertain significance for Familial thoracic aortic aneurysm and aortic dissection. Last evaluated: 2023-01-21. Review status: criteria provided, single submitter. Criteria: Ambry Variant Classification Scheme 2023. Collection method: clinical testing. Allele origin: germline.
Comment: The p.I1823T variant (also known as c.5468T>C), located in coding exon 37 of the MYH11 gene, results from a T to C substitution at nucleotide position 5468. The isoleucine at codon 1823 is replaced by threonine, an amino acid with similar properties. This amino acid position is conserved. In addition, the in silico prediction for this alteration is inconclusive. Since supporting evidence is limited at this time, the clinical significance of this alteration remains unclear.

NM_002474.3(MYH11):c.5468T>C (p.Ile1823Thr)

Genes: NDE1 (nudE neurodevelopment protein 1; plus strand), MYH11 (myosin heavy chain 11; minus strand). Cytogenetic location: 16p13.11.
Variant type: single nucleotide variant.
Coding change: c.5468T>C on transcript NM_002474.3 (MANE Select); coding-DNA position 5468, T replaced by C.
Protein change: p.Ile1823Thr; replaces isoleucine 1823 with threonine.
Molecular consequence: missense variant. On other transcripts: intron variant (2).
Genome position (GRCh38, 1-based): chr16:15,717,176, A>G on the plus strand (T>C on the coding strand, the complement: MYH11 is on the minus strand). VCF-style: chr16-15717176-A-G. GRCh37 (hg19) VCF-style: chr16-15811033-A-G.
Other names: c.5489T>C, p.Ile1830Thr (NM_001040113.2, NM_001040114.2); c.5468T>C, p.Ile1823Thr (NM_022844.3); c.948-7015A>G (NM_001143979.2, NM_017668.3); short protein forms I1823T, I1830T.
Identifiers: ClinVar variation 920693 (VCV000920693.11), dbSNP rs769337030, ClinGen allele CA7921263.